The following is an entry in ClinVar:

ClinVar aggregate classification (germline): Uncertain significance. Review status: criteria provided, multiple submitters, no conflicts (2 of 4 stars). 3 submissions from 3 submitters: Uncertain significance (3). Last evaluated 2025-06-12.

Conditions:
Gorlin syndrome. Also called: Basal cell nevus syndrome; Nevoid Basal Cell Carcinoma Syndrome. Identifiers: Orphanet 377, MedGen C0004779, MONDO:0007187.
Hereditary cancer-predisposing syndrome. Also called: Hereditary neoplastic syndrome; Tumor predisposition; Neoplastic Syndromes, Hereditary; Hereditary Cancer Syndrome. Identifiers: Orphanet 140162, MedGen C0027672, MeSH D009386, MONDO:0015356.
Basal cell carcinoma, susceptibility to, 1. Also called: BCC1. Identifiers: MedGen C2751544, MONDO:0011556, OMIM 605462.
Holoprosencephaly 7 (HPE7). Identifiers: Orphanet 2162, MedGen C1835820, MONDO:0012562, OMIM 610828.

Submissions (3):

Ambry Genetics
Classification: Uncertain significance for Hereditary cancer-predisposing syndrome. Last evaluated: 2025-06-12. Review status: criteria provided, single submitter. Criteria: Ambry Variant Classification Scheme 2023. Collection method: clinical testing. Allele origin: germline.
Comment: The p.Q1245E variant (also known as c.3733C>G), located in coding exon 22 of the PTCH1 gene, results from a C to G substitution at nucleotide position 3733. The glutamine at codon 1245 is replaced by glutamic acid, an amino acid with highly similar properties. This amino acid position is conserved. In addition, this alteration is predicted to be tolerated by in silico analysis. Based on the available evidence, the clinical significance of this variant remains unclear.

Labcorp Genetics (formerly Invitae), Labcorp
Classification: Uncertain significance for Gorlin syndrome. Last evaluated: 2022-08-23. Review status: criteria provided, single submitter. Criteria: Invitae Variant Classification Sherloc (09022015). Collection method: clinical testing. Allele origin: germline.
Comment: This sequence change replaces glutamine, which is neutral and polar, with glutamic acid, which is acidic and polar, at codon 1245 of the PTCH1 protein (p.Gln1245Glu). This variant is not present in population databases (gnomAD no frequency). This variant has not been reported in the literature in individuals affected with PTCH1-related conditions. ClinVar contains an entry for this variant (Variation ID: 951905). Advanced modeling of protein sequence and biophysical properties (such as structural, functional, and spatial information, amino acid conservation, physicochemical variation, residue mobility, and thermodynamic stability) performed at Invitae indicates that this missense variant is not expected to disrupt PTCH1 protein function. In summary, the available evidence is currently insufficient to determine the role of this variant in disease. Therefore, it has been classified as a Variant of Uncertain Significance.

Fulgent Genetics
Classification: Uncertain significance for Basal cell nevus syndrome 1; Basal cell carcinoma, susceptibility to, 1; Holoprosencephaly 7. Last evaluated: 2021-12-02. Review status: criteria provided, single submitter. Criteria: ACMG Guidelines, 2015. Collection method: clinical testing. Allele origin: unknown.

NM_000264.5(PTCH1):c.3733C>G (p.Gln1245Glu)

Gene: PTCH1 (patched 1; minus strand). Cytogenetic location: 9q22.32.
Variant type: single nucleotide variant.
Coding change: c.3733C>G on transcript NM_000264.5 (MANE Select); coding-DNA position 3733, C replaced by G.
Protein change: p.Gln1245Glu; replaces glutamine 1245 with glutamic acid.
Molecular consequence: missense variant. On other transcripts: non-coding transcript variant (1).
Genome position (GRCh38, 1-based): chr9:95,449,140, G>C on the plus strand (C>G on the coding strand, the complement: PTCH1 is on the minus strand). VCF-style: chr9-95449140-G-C. GRCh37 (hg19) VCF-style: chr9-98211422-G-C.
Other names: c.3280C>G, p.Gln1094Glu (NM_001083607.3, NM_001083604.3, NM_001083605.3 and 1 more transcripts); c.3577C>G, p.Gln1193Glu (NM_001354918.2); c.3535C>G, p.Gln1179Glu (NM_001083602.3); c.3730C>G, p.Gln1244Glu (NM_001083603.3); short protein forms Q1094E, Q1245E, Q1193E, Q1244E, Q1179E.
Identifiers: ClinVar variation 951905 (VCV000951905.12), dbSNP rs1838213882, ClinGen allele CA374111042.